The following is an entry in ClinVar:

ClinVar aggregate classification (germline): Uncertain significance (1 of 4 stars; one submission).

Conditions:
X-linked severe combined immunodeficiency (SCIDX1). Also called: IMMUNODEFICIENCY 4; SCID, X-LINKED; SEVERE COMBINED IMMUNODEFICIENCY, X-LINKED, T CELL-NEGATIVE, B CELL-POSITIVE, NK CELL-NEGATIVE; T-B+ severe combined immunodeficiency due to gamma chain deficiency; X-Linked Combined Immunodeficiency Diseases. Identifiers: Orphanet 276, MedGen C6022468, MONDO:0010315, OMIM 300400. Disease mechanism: loss of function.

Allele frequency attached by ClinVar (database versions not stated): gnomAD exomes below 0.00001; gnomAD 0.00001; TOPMed 0.00001.
gnomAD v4.1: 2 of 1,209,836 alleles (0.00017%); highest among the groups gnomAD compares: Non-Finnish European, 0.00022%; no homozygotes.

Submission:

Labcorp Genetics (formerly Invitae), Labcorp
Classification: Uncertain significance for X-linked severe combined immunodeficiency. Last evaluated: 2021-09-17. Review status: criteria provided, single submitter. Criteria: Invitae Variant Classification Sherloc (09022015). Collection method: clinical testing. Allele origin: germline.
Comment: This sequence change replaces proline with serine at codon 138 of the IL2RG protein (p.Pro138Ser). The proline residue is moderately conserved and there is a moderate physicochemical difference between proline and serine. This variant is not present in population databases (ExAC no frequency). This variant has not been reported in the literature in individuals with IL2RG-related conditions. Advanced modeling of protein sequence and biophysical properties (such as structural, functional, and spatial information, amino acid conservation, physicochemical variation, residue mobility, and thermodynamic stability) performed at Invitae indicates that this missense variant is not expected to disrupt IL2RG protein function. In summary, the available evidence is currently insufficient to determine the role of this variant in disease. Therefore, it has been classified as a Variant of Uncertain Significance.

NM_000206.3(IL2RG):c.412C>T (p.Pro138Ser)

Gene: IL2RG (interleukin 2 receptor subunit gamma; minus strand). Cytogenetic location: Xq13.1.
Variant type: single nucleotide variant.
Coding change: c.412C>T on transcript NM_000206.3 (MANE Select); coding-DNA position 412, C replaced by T.
Protein change: p.Pro138Ser; replaces proline 138 with serine.
Molecular consequence: missense variant.
Genome position (GRCh38, 1-based): chrX:71,110,546, G>A on the plus strand (C>T on the coding strand, the complement: IL2RG is on the minus strand). VCF-style: chrX-71110546-G-A. GRCh37 (hg19) VCF-style: chrX-70330396-G-A.
Other names: short protein forms P138S.
Identifiers: ClinVar variation 1386751 (VCV001386751.5), dbSNP rs1266997803, ClinGen allele CA413496614.
Genomic context (GRCh38, chrX:71,110,546, plus strand): 5'-CCTTTCTTTCCAAATTACCCAGATTCTGCAGTTTTAGCATCTGTGTGGCCTGTCTCCTGG[G>A]TTCCCGTGGGTCCTGGAGCTGAACAACAAATGTTTGGTAGAGGTGGATCTCCTTTTTTTG-3'
Protein context (NP_000197.1, residues 128-148): FVVQLQDPRE[Pro138Ser]RRQATQMLKL